The following is an entry in ClinVar:

NM_018076.5(ODAD2):c.1174A>G (p.Lys392Glu)

Gene: ODAD2 (outer dynein arm docking complex subunit 2; minus strand). Cytogenetic location: 10p12.1.
Variant type: single nucleotide variant.
Coding change: c.1174A>G on transcript NM_018076.5 (MANE Select); coding-DNA position 1174, A replaced by G.
Protein change: p.Lys392Glu; replaces lysine 392 with glutamic acid.
Molecular consequence: missense variant. On other transcripts: intron variant (1).
Genome position (GRCh38, 1-based): chr10:27,968,987, T>C on the plus strand (A>G on the coding strand, the complement: ODAD2 is on the minus strand). VCF-style: chr10-27968987-T-C. GRCh37 (hg19) VCF-style: chr10-28257916-T-C.
Other names: p.Lys392Glu; c.1174A>G, p.Lys392Glu (NM_001290020.2); c.250A>G, p.Lys84Glu (NM_001312689.2); c.-187-7272A>G (NM_001290021.2); short protein forms K84E, K392E.
Identifiers: ClinVar variation 966023 (VCV000966023.7), dbSNP rs761673868, ClinGen allele CA5453625.

ClinVar aggregate classification (germline): Uncertain significance. Review status: criteria provided, multiple submitters, no conflicts (2 of 4 stars). 3 submissions from 3 submitters: Uncertain significance (3). Last evaluated 2025-12-09.

Conditions:
Primary ciliary dyskinesia 23 (CILD23). Also called: CILIARY DYSKINESIA, PRIMARY, 23, WITH OR WITHOUT SITUS INVERSUS. Identifiers: Orphanet 244, MedGen C3809548, MONDO:0014193, OMIM 615451.
Primary ciliary dyskinesia. Also called: Ciliary dyskinesia. Identifiers: Orphanet 244, MedGen C0008780, MONDO:0016575, HP:0012265.

Allele frequency attached by ClinVar (database versions not stated): ExAC below 0.00001; gnomAD exomes 0.00004.

Submissions (3):

Mayo Clinic Laboratories, Mayo Clinic
Classification: Uncertain significance. Last evaluated: 2025-12-09. Review status: criteria provided, single submitter. Criteria: ACMG Guidelines, 2015. Collection method: clinical testing. Allele origin: germline. Observed: 1 variant allele.
Comment: BP4_moderate, PM2_supporting

Ambry Genetics
Classification: Uncertain significance for Primary ciliary dyskinesia. Last evaluated: 2023-04-18. Review status: criteria provided, single submitter. Criteria: Ambry Variant Classification Scheme 2023. Collection method: clinical testing. Allele origin: germline.
Comment: The p.K392E variant (also known as c.1174A>G), located in coding exon 8 of the ARMC4 gene, results from an A to G substitution at nucleotide position 1174. The lysine at codon 392 is replaced by glutamic acid, an amino acid with similar properties. This amino acid position is highly conserved in available vertebrate species. In addition, this alteration is predicted to be tolerated by in silico analysis. Since supporting evidence is limited at this time, the clinical significance of this alteration remains unclear.

Labcorp Genetics (formerly Invitae), Labcorp
Classification: Uncertain significance for Primary ciliary dyskinesia 23. Last evaluated: 2021-08-24. Review status: criteria provided, single submitter. Criteria: Invitae Variant Classification Sherloc (09022015). Collection method: clinical testing. Allele origin: germline.
Comment: This sequence change replaces lysine with glutamic acid at codon 392 of the ARMC4 protein (p.Lys392Glu). The lysine residue is weakly conserved and there is a small physicochemical difference between lysine and glutamic acid. The frequency data for this variant in the population databases is considered unreliable, as metrics indicate poor data quality at this position in the ExAC database. This variant has not been reported in the literature in individuals affected with ARMC4-related conditions. Algorithms developed to predict the effect of missense changes on protein structure and function (SIFT, PolyPhen-2, Align-GVGD) all suggest that this variant is likely to be tolerated. In summary, the available evidence is currently insufficient to determine the role of this variant in disease. Therefore, it has been classified as a Variant of Uncertain Significance.